The following is an entry in ClinVar:

ClinVar aggregate classification (germline): Uncertain significance. Review status: criteria provided, multiple submitters, no conflicts (2 of 4 stars). 3 submissions from 3 submitters: Uncertain significance (3). Last evaluated 2025-03-25.

Conditions:
Inborn genetic diseases. Identifiers: MedGen C0950123, MeSH D030342.
Bartter disease type 1. Also called: Bartter Syndrome type 1; HYPERPROSTAGLANDIN E SYNDROME 1; HYPOKALEMIC ALKALOSIS WITH HYPERCALCIURIA 1, ANTENATAL; Bartter syndrome, type 1, antenatal. Identifiers: Orphanet 112, Orphanet 620217, MedGen C1866495, MONDO:0100344, OMIM 601678, MONDO:0011127.

Allele frequency attached by ClinVar (database versions not stated): gnomAD exomes 0.00001; ExAC 0.00002; gnomAD 0.00014; TOPMed 0.00017; ESP Exome Variant Server 0.00031.
gnomAD v4.1: 37 of 1,613,760 alleles (0.0023%); highest among the groups gnomAD compares: African/African-American, 0.047%; no homozygotes.

Submissions (3):

Ambry Genetics
Classification: Uncertain significance for Inborn genetic diseases. Last evaluated: 2025-03-25. Review status: criteria provided, single submitter. Criteria: Ambry Variant Classification Scheme 2023. Collection method: clinical testing. Allele origin: germline.

Fulgent Genetics
Classification: Uncertain significance for Bartter disease type 1. Last evaluated: 2024-04-14. Review status: criteria provided, single submitter. Criteria: ACMG Guidelines, 2015. Collection method: clinical testing. Allele origin: germline.

GeneDx
Classification: Uncertain significance. Last evaluated: 2022-07-25. Review status: criteria provided, single submitter. Criteria: GeneDx Variant Classification Process June 2021. Collection method: clinical testing. Allele origin: germline. Affected: yes.
Comment: In silico analysis supports that this missense variant has a deleterious effect on protein structure/function; Has not been previously published as pathogenic or benign to our knowledge

NM_000338.3(SLC12A1):c.2089C>T (p.Leu697Phe)

Gene: SLC12A1 (solute carrier family 12 member 1; plus strand). Cytogenetic location: 15q21.1.
Variant type: single nucleotide variant.
Coding change: c.2089C>T on transcript NM_000338.3 (MANE Select); coding-DNA position 2089, C replaced by T.
Protein change: p.Leu697Phe; replaces leucine 697 with phenylalanine.
Molecular consequence: missense variant.
Genome position (GRCh38, 1-based): chr15:48,259,246, C>T. VCF-style: chr15-48259246-C-T. GRCh37 (hg19) VCF-style: chr15-48551443-C-T.
Other names: c.2089C>T, p.Leu697Phe (NM_001184832.2, NM_001384136.1); short protein forms L697F.
Identifiers: ClinVar variation 2412995 (VCV002412995.7), dbSNP rs145404393, ClinGen allele CA7547282.
Genomic context (GRCh38, chr15:48,259,246, plus strand): 5'-TTTTTTACTTCCAGGCCCCAGTGCATTGTCTTAACAGGGGGACCCATGACAAGACCTGCT[C>T]TCCTGGACATAACTCACGCCTTTACCAAGAACAGTGGCCTTTGCATCTGCTGTGAAGTCT-3'
Protein context (NP_000329.2, residues 687-707): LTGGPMTRPA[Leu697Phe]LDITHAFTKN